The following is an entry in ClinVar:

GRCh37/hg19 8p23.3-22(chr8:158049-18936715)x1

Genes: AGPAT5 (1-acylglycerol-3-phosphate O-acyltransferase 5; plus strand), ANGPT2 (angiopoietin 2; minus strand), ARHGEF10 (Rho guanine nucleotide exchange factor 10; plus strand), ASAH1 (N-acylsphingosine amidohydrolase 1; minus strand), ASAH1-AS1 (ASAH1 antisense RNA 1; plus strand) and 90 more. Cytogenetic location: 8p23.3-22.
Variant type: copy number loss.
Change: copy number 1 (one copy instead of two) of chr8:158,049-18,936,715 (18.78 Mb, GRCh37 coordinates, 1-based), cytogenetic band 8p23.3-22.
Identifiers: ClinVar variation 1807751 (VCV001807751.1).

ClinVar aggregate classification (germline): Pathogenic (1 of 4 stars; one submission).

Submission:

Quest Diagnostics Nichols Institute San Juan Capistrano
Classification: Pathogenic. Last evaluated: 2021-08-26. Review status: criteria provided, single submitter. Criteria: ACMG/ClinGen CNV Guidelines, 2019. Collection method: clinical testing. Allele origin: unknown.
Comment: The copy number loss of 8p23.3p22 involves multiple protein coding genes, including CLN8 (OMIM 607837), ARHGEF10 (OMIM 608136), CSMD1 (OMIM 608397), DLGAP2 (OMIM 605438), and GATA4 (OMIM 600576), and is expected to cause phenotypic and/or developmental abnormalities. Patients with comparable or smaller deletions of this region have a variable phenotype, including developmental delay and/or intellectual disability, neurobehavioral disorders, and craniofacial abnormalities. Congenital anomalies, such as heart defects and diaphragmatic hernia, were also reported in some patients (Shi 2017; Burnside 2013; Chien 2010; Kumar 2018). In particular, Perez et al reported a 15 Mb deletion at this locus in a fetus with increased nuchal translucency and diaphragmatic hernia (Perez 2018). A 13.32 Mb deletion of this locus was also reported in a patient with pulmonary stenosis, aortic stenosis, large ventricular septal defect, mild arch hypoplasia, bicuspid aortic valve and intrauterine growth restriction (Lazier 2016). Shi et al proposed that DLGAP2, CLN8, ARHGEF10 and CSMD1 are candidate genes for the deletion phenotype, and haploinsufficiency of GATA4 is associated with multiple cardiac diseases including atrial septal defect 2 (OMIM 607941). This large deletion also includes a few genes that are associated with OMIM phenotypes: ANGPT2 (OMIM 619369), RP1L1 (OMIM 613587 and 618826), BLK (OMIM 613375), CTSB (OMIM 148370), MCPH1 (OMIM 251200), FDFT1 (OMIM 618156 ), ASAH1 (OMIM 228000 and 159950), TUSC3 (OMIM 611093), and VPS37A (OMIM 614898). Reference Burnside et al. Am J Med Genet A. 2013 Apr;161A(4):822-8. PMID: 23495222. Chien et al. Clin Genet. 2010 Nov;78(5):449-56. PMID: 20236125. Kumar et al., J Pediatr Genet. 2018 Sep;7(3):125-129. PMID: 30105121. Lazier et al., J Obstet Gynaecol Can. 2016 Jul;38(7):619-26. PMID: 27591345. Maccarini et al., Mol Cytogenet. 2020 Jun 22;13:23. PMID: 32582378. Perez et al., Gynecol Obstet (Sunnyvale) 2018, 8:7 DOI: 10.4172/2161-0932.1000479. Shi et al. Mol Med Rep. 2017 Nov;16(5):6837-6845. PMID: 28901431. Tannour-Louet et al., Nat Med. 2014 Jul;20(7):715-24. PMID: 24880616.